The following is an entry in ClinVar:

NM_020632.3(ATP6V0A4):c.1571C>T (p.Pro524Leu)

Gene: ATP6V0A4 (ATPase H+ transporting V0 subunit a4; minus strand). Cytogenetic location: 7q34.
Variant type: single nucleotide variant.
Coding change: c.1571C>T on transcript NM_020632.3 (MANE Select); coding-DNA position 1571, C replaced by T.
Protein change: p.Pro524Leu; replaces proline 524 with leucine.
Molecular consequence: missense variant.
Genome position (GRCh38, 1-based): chr7:138,739,541, G>A on the plus strand (C>T on the coding strand, the complement: ATP6V0A4 is on the minus strand). VCF-style: chr7-138739541-G-A. GRCh37 (hg19) VCF-style: chr7-138424286-G-A.
Other names: c.1571C>T, p.Pro524Leu (NM_130840.3, NM_130841.3); short protein forms P524L.
Identifiers: ClinVar variation 5157 (VCV000005157.14), dbSNP rs121908368, ClinGen allele CA117295.
Genomic context (GRCh38, chr7:138,739,541, plus strand): 5'-CAGAGGTCTCCTCAAGATAGTTCACATAAGAAATATTTAACCCAAGAAGACATTATTACC[G>A]GATCAATCCCAAACGGGTATGGATTTCCAAAATACACTCCTGGTATGGCTGGGTCCAGCT-3'
Protein context (NP_065683.2, residues 514-534): FGNPYPFGID[Pro524Leu]IWNLASNKLT

ClinVar aggregate classification (germline): Conflicting classifications of pathogenicity. Review status: criteria provided, conflicting classifications (1 of 4 stars). 4 submissions from 4 submitters: Pathogenic (1); Likely pathogenic (1); Uncertain significance (1). 1 of the submissions does not count toward it. Last evaluated 2025-10-03.

Conditions:
Renal tubular acidosis, distal, 3, with or without sensorineural hearing loss (DRTA3). Identifiers: MedGen C5399980, MONDO:0011268, OMIM 602722.
Autosomal recessive distal renal tubular acidosis. Identifiers: Orphanet 402041, MedGen C1864498, MONDO:0018440.
Renal tubular acidosis with progressive nerve deafness. Also called: Distal Renal Tubular Acidosis with Progressive Sensorineural Deafness; RENAL TUBULAR ACIDOSIS, AUTOSOMAL RECESSIVE, WITH PROGRESSIVE NERVE DEAFNESS; RTA WITH PROGRESSIVE NERVE DEAFNESS; renal tubular acidosis, distal, 2, with progressive sensorineural hearing loss. Identifiers: MedGen C0403554, MONDO:0009968, OMIM 267300.

Allele frequency attached by ClinVar (database versions not stated): gnomAD exomes 0.00001 and 0.00002; TOPMed 0.00001; gnomAD 0.00001; ExAC 0.00002.
gnomAD v4.1: 11 of 1,613,928 alleles (0.00068%); highest among the groups gnomAD compares: Admixed American, 0.005%; no homozygotes.

Submissions (4):

Rare Kidney Stone Consortium and the Mayo Clinic Hyperoxaluria Center, Mayo Clinic
Classification: Pathogenic for Renal tubular acidosis, distal, 3, with or without sensorineural hearing loss. Last evaluated: 2025-10-03. Review status: criteria provided, single submitter. Criteria: ACMG Guidelines, 2015. Collection method: research. Allele origin: germline. Affected: yes. Observed: 1 variant allele.
Comment: ACMG:PS1, PM1, PM2, PP3, PP4, PP5

Clinical Genetics Laboratory, Skane University Hospital Lund
Classification: Likely pathogenic for Autosomal recessive distal renal tubular acidosis; Renal tubular acidosis with progressive nerve deafness. Last evaluated: 2025-07-16. Review status: criteria provided, single submitter. Criteria: ACMG Guidelines, 2015. Collection method: clinical testing. Allele origin: germline. Affected: yes.
Comment: ACMG criteria used: PM3, PP1, PP3, PP4_Moderate

Labcorp Genetics (formerly Invitae), Labcorp
Classification: Uncertain significance. Last evaluated: 2022-07-05. Review status: criteria provided, single submitter. Criteria: Invitae Variant Classification Sherloc (09022015). Collection method: clinical testing. Allele origin: germline.
Comment: This sequence change replaces proline, which is neutral and non-polar, with leucine, which is neutral and non-polar, at codon 524 of the ATP6V0A4 protein (p.Pro524Leu). This variant is present in population databases (rs121908368, gnomAD 0.01%). This missense change has been observed in individual(s) with distal renal tubular acidosis (PMID: 10973252, 19364879). In at least one individual the data is consistent with being in trans (on the opposite chromosome) from a pathogenic variant. ClinVar contains an entry for this variant (Variation ID: 5157). Algorithms developed to predict the effect of missense changes on protein structure and function are either unavailable or do not agree on the potential impact of this missense change (SIFT: "Tolerated"; PolyPhen-2: "Probably Damaging"; Align-GVGD: "Class C0"). In summary, the available evidence is currently insufficient to determine the role of this variant in disease. Therefore, it has been classified as a Variant of Uncertain Significance.

OMIM
Classification: Pathogenic for RENAL TUBULAR ACIDOSIS, DISTAL, 3, WITHOUT SENSORINEURAL HEARING LOSS. Last evaluated: 2000-09-01. Review status: no assertion criteria provided. Collection method: literature only. Allele origin: germline. Not counted in ClinVar's aggregate classification.

Literature cited by the submitters: PubMed 10973252 (cited by 3 submitters); PubMed 31328266 (cited by Rare Kidney Stone Consortium and the Mayo Clinic Hyperoxaluria Center, Mayo Clinic); PubMed 34157794 (cited by Rare Kidney Stone Consortium and the Mayo Clinic Hyperoxaluria Center, Mayo Clinic); PubMed 40794449 (cited by Rare Kidney Stone Consortium and the Mayo Clinic Hyperoxaluria Center, Mayo Clinic); PubMed 19364879 (cited by Labcorp Genetics (formerly Invitae), Labcorp).